The following is an entry in ClinVar:

NM_005918.4(MDH2):c.652T>A (p.Phe218Ile)

Gene: MDH2 (malate dehydrogenase 2; plus strand). Cytogenetic location: 7q11.23.
Variant type: single nucleotide variant.
Coding change: c.652T>A on transcript NM_005918.4 (MANE Select); coding-DNA position 652, T replaced by A.
Protein change: p.Phe218Ile; replaces phenylalanine 218 with isoleucine.
Molecular consequence: missense variant.
Genome position (GRCh38, 1-based): chr7:76,064,357, T>A. VCF-style: chr7-76064357-T-A. GRCh37 (hg19) VCF-style: chr7-75693675-T-A.
Other names: c.526T>A, p.Phe176Ile (NM_001282403.2); c.331T>A, p.Phe111Ile (NM_001282404.2); short protein forms F176I, F111I, F218I.
Identifiers: ClinVar variation 1754075 (VCV001754075.2), dbSNP rs781886970, ClinGen allele CA367767219.

ClinVar aggregate classification (germline): Uncertain significance (1 of 4 stars; one submission).

Conditions:
Inborn genetic diseases. Identifiers: MedGen C0950123, MeSH D030342.

gnomAD v4.1: 2 of 1,613,030 alleles (0.00012%); highest among the groups gnomAD compares: Non-Finnish European, 0.00017%; no homozygotes.

Submission:

Ambry Genetics
Classification: Uncertain significance for Inborn genetic diseases. Last evaluated: 2024-01-08. Review status: criteria provided, single submitter. Criteria: Ambry Variant Classification Scheme 2023. Collection method: clinical testing. Allele origin: germline.
Comment: The p.F218I variant (also known as c.652T>A), located in coding exon 7 of the MDH2 gene, results from a T to A substitution at nucleotide position 652. The phenylalanine at codon 218 is replaced by isoleucine, an amino acid with highly similar properties. This amino acid position is conserved. In addition, this alteration is predicted to be tolerated by in silico analysis. Since supporting evidence is limited at this time, the clinical significance of this alteration remains unclear.